The following is an entry in ClinVar:

NM_007294.4(BRCA1):c.4358-3A>G

Gene: BRCA1 (BRCA1 DNA repair associated; minus strand). Cytogenetic location: 17q21.31.
Variant type: single nucleotide variant.
Coding change: c.4358-3A>G on transcript NM_007294.4 (MANE Select); 3 bases into the intron before coding-DNA position 4358, A replaced by G.
Molecular consequence: intron variant.
Genome position (GRCh38, 1-based): chr17:43,076,617, T>C on the plus strand (A>G on the coding strand, the complement: BRCA1 is on the minus strand). VCF-style: chr17-43076617-T-C. GRCh37 (hg19) VCF-style: chr17-41228634-T-C.
Other names: c.1046-3A>G (NM_001408472.1, NM_001407990.1, NM_001407991.1 and 9 more transcripts); c.1049-6A>G (NM_007299.4, NM_007298.4, NM_001407993.1); c.1049-3A>G (NM_001407974.1, NM_001407973.1, NM_001407975.1 and 3 more transcripts); c.1751-3A>G (NM_001407969.1); c.1754-3A>G (NM_001407968.1); c.4355-6A>G (NM_001407640.1, NM_001407638.1, NM_001407637.1 and 8 more transcripts); c.4355-3A>G (NM_001407626.1, NM_001407860.1, NM_001407611.1 and 7 more transcripts); c.4358-6A>G (NM_001407617.1, NM_001407622.1, NM_001407858.1 and 7 more transcripts); and 98 more.
Identifiers: ClinVar variation 584507 (VCV000584507.17), dbSNP rs1567779966, ClinGen allele CA891844425.
Genomic context (GRCh38, chr17:43,076,617, plus strand): 5'-AGGCCTTCTGGATTCTGGCTTATAGGGTATTCACTACTTTTCTGTGAAGTTAATACTGCT[T>C]TAAATGGAATGAGAAAACAAATCTACTTTACTGCTTTGTTCTGATAGTGATAATTCAGGT-3'

ClinVar aggregate classification (germline): Uncertain significance. Review status: criteria provided, multiple submitters, no conflicts (2 of 4 stars). 4 submissions from 4 submitters: Uncertain significance (4). Last evaluated 2023-10-12.

Conditions:
Breast-ovarian cancer, familial, susceptibility to, 1 (BROVCA1). Also called: BRCA1 Hereditary Breast and Ovarian Cancer; OVARIAN CANCER, SUSCEPTIBILITY TO. Identifiers: Orphanet 145, MedGen C2676676, MONDO:0011450, OMIM 604370. Disease mechanism: loss of function.
Hereditary cancer-predisposing syndrome. Also called: Tumor predisposition; Neoplastic Syndromes, Hereditary; Hereditary Cancer Syndrome; Hereditary neoplastic syndrome. Identifiers: Orphanet 140162, MedGen C0027672, MeSH D009386, MONDO:0015356.
Hereditary breast ovarian cancer syndrome. Also called: Hereditary breast and ovarian cancer; Hereditary breast and ovarian cancer syndrome; Hereditary breast and ovarian cancer syndrome (HBOC); Breast and ovarian cancer; BRCA1- and BRCA2-Associated Hereditary Breast and Ovarian Cancer; Hereditary breast and/or ovarian cancer syndrome. Identifiers: Orphanet 145, MedGen C0677776, MeSH D061325, MONDO:0003582. Disease mechanism: loss of function.

Submissions (4):

German Consortium for Hereditary Breast and Ovarian Cancer, University Hospital Cologne
Classification: Uncertain significance for Hereditary breast ovarian cancer syndrome. Last evaluated: 2023-10-12. Review status: criteria provided, single submitter. Criteria: ACMG Guidelines, 2015. Collection method: curation. Allele origin: germline.
Comment: PM2_sup, PP3_sup, RNA-Analysis required. According to the ACMG standard criteria we chose these criteria: PM2 (supporting pathogenic): Not in gnomAD, PP3 (supporting pathogenic): spliceAI score DG 0.97

Labcorp Genetics (formerly Invitae), Labcorp
Classification: Uncertain significance for Hereditary breast ovarian cancer syndrome. Last evaluated: 2022-06-13. Review status: criteria provided, single submitter. Criteria: Invitae Variant Classification Sherloc (09022015). Collection method: clinical testing. Allele origin: germline.
Comment: This sequence change falls in intron 12 of the BRCA1 gene. It does not directly change the encoded amino acid sequence of the BRCA1 protein. It affects a nucleotide within the consensus splice site. In summary, the available evidence is currently insufficient to determine the role of this variant in disease. Therefore, it has been classified as a Variant of Uncertain Significance. Variants that disrupt the consensus splice site are a relatively common cause of aberrant splicing (PMID: 17576681, 9536098). Algorithms developed to predict the effect of sequence changes on RNA splicing suggest that this variant may disrupt the consensus splice site. ClinVar contains an entry for this variant (Variation ID: 584507). This variant has been observed in individual(s) with personal and/or family history of breast and ovarian cancer (PMID: 31159747). This variant is not present in population databases (gnomAD no frequency).

Baylor Genetics
Classification: Uncertain significance for Breast-ovarian cancer, familial, susceptibility to, 1. Last evaluated: 2021-09-28. Review status: criteria provided, single submitter. Criteria: ACMG Guidelines, 2015. Collection method: clinical testing. Allele origin: unknown.

GeneKor MSA
Classification: Uncertain significance for Hereditary cancer-predisposing syndrome. Last evaluated: 2018-08-01. Review status: criteria provided, single submitter. Criteria: ACMG Guidelines, 2015. Collection method: clinical testing. Allele origin: germline.

Literature cited by the submitters: PubMed 17576681 (cited by Labcorp Genetics (formerly Invitae), Labcorp); PubMed 9536098 (cited by Labcorp Genetics (formerly Invitae), Labcorp); PubMed 31159747 (cited by Labcorp Genetics (formerly Invitae), Labcorp).